The following is an entry in ClinVar:

ClinVar aggregate classification (germline): Pathogenic/Likely pathogenic. Review status: criteria provided, multiple submitters, no conflicts (2 of 4 stars). 2 submissions from 2 submitters: Pathogenic (1); Likely pathogenic (1). Last evaluated 2025-03-20.

Conditions:
Wieacker-Wolff syndrome. Also called: Intellectual disability-developmental delay-contractures syndrome; Miles-Carpenter syndrome; APRAXIA, OCULOMOTOR, WITH CONGENITAL CONTRACTURES AND MUSCLE ATROPHY; CONTRACTURES OF FEET, MUSCLE ATROPHY, AND OCULOMOTOR APRAXIA; Wieacker-Wolff, X-linked recessive; MENTAL RETARDATION, X-LINKED, SYNDROMIC 4. Identifiers: Orphanet 3454, Orphanet 85283, MedGen C0796200, MONDO:0010758, OMIM 314580.

Submissions (2):

Cincinnati Children's Hospital Medical Center Genetics and Genomics Diagnostic Laboratory, Cincinnati Children's Hospital Medical Center
Classification: Pathogenic for Wieacker-Wolff syndrome. Last evaluated: 2025-03-20. Review status: criteria provided, single submitter. Criteria: ACMG Guidelines, 2015. Collection method: clinical testing. Allele origin: maternal. Inheritance: X-linked inheritance. Affected: yes. Observed: 1 hemizygote.
Comment: This variant is absent from population databases. In-silico prediction software suggests a damaging impact on protein function, with no predicted impact on splicing. A different variant affecting the same amino acid, c.197T>A p.(Leu66His), has been reported and segregated with the disease in a family with ZARD (also known as Wieacker-Wolff syndrome and Miles Carpenter syndrome) in 4 affected males (PMID: 26056227).

GeneDx
Classification: Likely pathogenic. Last evaluated: 2025-03-13. Review status: criteria provided, single submitter. Criteria: GeneDx Variant Classification Process June 2021. Collection method: clinical testing. Allele origin: germline. Affected: yes.
Comment: Not observed at significant frequency in large population cohorts (gnomAD); In silico analysis supports that this missense variant has a deleterious effect on protein structure/function; This variant is associated with the following publications: (PMID: 39032379)

Literature cited by the submitters: DOI 10.3389/fped.2025.1518782 (cited by Cincinnati Children's Hospital Medical Center Genetics and Genomics Diagnostic Laboratory, Cincinnati Children's Hospital Medical Center); PubMed 39032379 (cited by Cincinnati Children's Hospital Medical Center Genetics and Genomics Diagnostic Laboratory, Cincinnati Children's Hospital Medical Center); PubMed 26056227 (cited by Cincinnati Children's Hospital Medical Center Genetics and Genomics Diagnostic Laboratory, Cincinnati Children's Hospital Medical Center).

NM_018684.4(ZC4H2):c.196C>T (p.Leu66Phe)

Gene: ZC4H2 (zinc finger C4H2-type containing; minus strand). Cytogenetic location: Xq11.2.
Variant type: single nucleotide variant.
Coding change: c.196C>T on transcript NM_018684.4 (MANE Select); coding-DNA position 196, C replaced by T.
Protein change: p.Leu66Phe; replaces leucine 66 with phenylalanine.
Molecular consequence: missense variant. On other transcripts: non-coding transcript variant (1).
Genome position (GRCh38, 1-based): chrX:64,921,846, G>A on the plus strand (C>T on the coding strand, the complement: ZC4H2 is on the minus strand). VCF-style: chrX-64921846-G-A. GRCh37 (hg19) VCF-style: chrX-64141726-G-A.
Other names: c.127C>T, p.Leu43Phe (NM_001178032.3, NM_001243804.2); c.196C>T, p.Leu66Phe (NM_001178033.3); c.196C>T (NM_018684.3); short protein forms L66F, L43F.
Identifiers: ClinVar variation 3781335 (VCV003781335.2).